The following is an entry in ClinVar:

ClinVar aggregate classification (germline): Uncertain significance (0 of 4 stars; one submission).

Conditions:
LZTFL1-related disorder. Also called: LZTFL1-related condition.

Submission:

PreventionGenetics, part of Exact Sciences
Classification: Uncertain significance for LZTFL1-related condition. Last evaluated: 2024-04-04. Review status: no assertion criteria provided. Collection method: clinical testing. Allele origin: germline.
Comment: The LZTFL1 c.-71158C>T variant is located in the 5' untranslated region. To our knowledge, this variant has not been reported in the literature. This variant is reported in 0.0041% of alleles in individuals of Latino descent in gnomAD. At this time, the clinical significance of this variant is uncertain due to the absence of conclusive functional and genetic evidence.

NC_000003.12:g.45913149G>A

Gene: LZTFL1 (leucine zipper transcription factor like 1; minus strand). Cytogenetic location: 3p21.31.
Variant type: single nucleotide variant.
Molecular consequence: 5 prime UTR variant (on NM_001405925.1). On other transcripts: non-coding transcript variant (1).
Genome position: GRCh38 VCF-style: chr3-45913149-G-A. GRCh37 (hg19) VCF-style: chr3-45954641-G-A.
Other names: c.-3C>T (NM_001405925.1, NM_001276379.2, NM_001405920.1 and 1 more transcripts); c.-206C>T (NM_001405926.1, NM_001405923.1); c.-167C>T (NM_001405927.1, NM_001276378.2).
Identifiers: ClinVar variation 3352760 (VCV003352760.1).